The following is an entry in ClinVar:

ClinVar aggregate classification (germline): Likely benign (0 of 4 stars; one submission).

Conditions:
ARHGEF28-related disorder. Also called: ARHGEF28-related condition.

Allele frequency attached by ClinVar (database versions not stated): 1000 Genomes Project 30x 0.00031; 1000 Genomes Project 0.00040; ESP Exome Variant Server 0.00101; ExAC 0.00113.
gnomAD v4.1: 1,409 of 1,612,300 alleles (0.087%); highest among the groups gnomAD compares: Middle Eastern, 1.5%; 4 homozygotes.

Submission:

PreventionGenetics, part of Exact Sciences
Classification: Likely benign for ARHGEF28-related condition. Last evaluated: 2023-07-28. Review status: no assertion criteria provided. Collection method: clinical testing. Allele origin: germline.
Comment: This variant is classified as likely benign based on ACMG/AMP sequence variant interpretation guidelines (Richards et al. 2015 PMID: 25741868, with internal and published modifications).

NM_001177693.2(ARHGEF28):c.1028G>A (p.Arg343His)

Gene: ARHGEF28 (Rho guanine nucleotide exchange factor 28; plus strand). Cytogenetic location: 5q13.2.
Variant type: single nucleotide variant.
Coding change: c.1028G>A on transcript NM_001177693.2 (MANE Select); coding-DNA position 1028, G replaced by A.
Protein change: p.Arg343His; replaces arginine 343 with histidine.
Molecular consequence: missense variant.
Genome position (GRCh38, 1-based): chr5:73,832,341, G>A. VCF-style: chr5-73832341-G-A. GRCh37 (hg19) VCF-style: chr5-73128166-G-A.
Other names: c.1028G>A, p.Arg343His (NM_001080479.3, NM_001388078.1); c.89G>A, p.Arg30His (NM_001244364.2); c.734G>A, p.Arg245His (NM_001388076.1); short protein forms R245H, R30H, R343H.
Identifiers: ClinVar variation 3043383 (VCV003043383.2), dbSNP rs187897891, ClinGen allele CA3304437.